The following is an entry in ClinVar:

ClinVar aggregate classification (germline): Likely benign. Review status: criteria provided, multiple submitters, no conflicts (2 of 4 stars). 2 submissions from 2 submitters: Likely benign (2). Last evaluated 2026-08-01.

Allele frequency attached by ClinVar (database versions not stated): 1000 Genomes Project 0.00359; 1000 Genomes Project 30x 0.00359.
gnomAD v4.1: 718 of 1,570,092 alleles (0.046%); highest among the groups gnomAD compares: South Asian, 0.68%; 10 homozygotes.

Submissions (2):

CeGaT Center for Human Genetics Tuebingen
Classification: Likely benign. Last evaluated: 2026-08-01. Review status: criteria provided, single submitter. Criteria: CeGaT Center For Human Genetics Tuebingen Variant Classification Criteria Version 2. Collection method: clinical testing. Allele origin: germline. Affected: yes. Observed: 4 variant alleles.
Comment: BICRA: BP4, BP7, BS1

Blueprint Genetics
Classification: Likely benign. Last evaluated: 2024-11-21. Review status: criteria provided, single submitter. Criteria: ACMG Guidelines, 2015. Collection method: clinical testing. Allele origin: germline.

NM_001394372.1(BICRA):c.2130C>T (p.Ser710=)

Gene: BICRA (BRD4 interacting chromatin remodeling complex associated protein; plus strand). Cytogenetic location: 19q13.33.
Variant type: single nucleotide variant.
Coding change: c.2130C>T on transcript NM_001394372.1 (MANE Select); coding-DNA position 2130, C replaced by T.
Protein change: p.Ser710=; no amino-acid change (serine 710 retained).
Molecular consequence: synonymous variant.
Genome position (GRCh38, 1-based): chr19:47,681,999, C>T. VCF-style: chr19-47681999-C-T. GRCh37 (hg19) VCF-style: chr19-48185256-C-T.
Other names: c.2130C>T, p.Ser710= (NM_015711.3).
Identifiers: ClinVar variation 2650170 (VCV002650170.25), dbSNP rs575946170, ClinGen allele CA9541842.